The following is an entry in ClinVar:

ClinVar aggregate classification (germline): Benign. Review status: criteria provided, multiple submitters, no conflicts (2 of 4 stars). 14 submissions from 12 submitters: Benign (11). 3 of the submissions do not count toward it. Last evaluated 2026-02-04.

Conditions:
Familial restrictive cardiomyopathy (RCM). Identifiers: Orphanet 217635, MedGen C0340429, MONDO:0016340.
Actin accumulation myopathy (CMYO2A). Also called: Nemaline myopathy type 3; Myopathy, actin, congenital, with excess of thin myofilaments; CONGENITAL MYOPATHY 2A, TYPICAL, AUTOSOMAL DOMINANT; Myopathy, actin, congenital, with cores; Nemaline myopathy 3, with intranuclear rods. Identifiers: Orphanet 98904, MedGen C3711389, MONDO:0008070, OMIM 161800.
Congenital myopathy with fiber type disproportion. Also called: Congenital fiber-type disproportion myopathy; Congenital fiber-type disproportion. Identifiers: Orphanet 2020, MedGen C0546264, MONDO:0009711. Inheritance: all.

Allele frequency attached by ClinVar (database versions not stated): ExAC 0.18623; gnomAD exomes 0.18904; gnomAD 0.20392 and 0.20670; ESP Exome Variant Server 0.20452; 1000 Genomes Project 0.21186; 1000 Genomes Project 30x 0.21408; TOPMed 0.22085.
gnomAD v4.1: 288,799 of 1,613,784 alleles (18%); highest among the groups gnomAD compares: African/African-American, 28%; 26,922 homozygotes.

Submissions (14):

Labcorp Genetics (formerly Invitae), Labcorp
Classification: Benign for Actin accumulation myopathy. Last evaluated: 2026-02-04. Review status: criteria provided, single submitter. Criteria: Invitae Variant Classification Sherloc (09022015). Collection method: clinical testing. Allele origin: germline.

Blueprint Genetics
Classification: Benign. Last evaluated: 2024-11-26. Review status: criteria provided, single submitter. Criteria: ACMG Guidelines, 2015. Collection method: clinical testing. Allele origin: germline.

Illumina Laboratory Services, Illumina
Classification: Benign for Congenital myopathy 4A, autosomal dominant. Last evaluated: 2018-01-12. Review status: criteria provided, single submitter. Criteria: ICSL Variant Classification Criteria 13 December 2019. Collection method: clinical testing. Allele origin: germline.
Comment: This variant was observed in the ICSL laboratory as part of a predisposition screen in an ostensibly healthy population. It had not been previously curated by ICSL or reported in the Human Gene Mutation Database (HGMD: prior to June 1st, 2018), and was therefore a candidate for classification through an automated scoring system. Utilizing variant allele frequency, disease prevalence and penetrance estimates, and inheritance mode, an automated score was calculated to assess if this variant is too frequent to cause the disease. Based on the score and internal cut-off values, a variant classified as benign is not then subjected to further curation. The score for this variant resulted in a classification of benign for this disease.

Illumina Laboratory Services, Illumina
Classification: Benign for Familial restrictive cardiomyopathy. Last evaluated: 2018-01-12. Review status: criteria provided, single submitter. Criteria: ICSL Variant Classification Criteria 13 December 2019. Collection method: clinical testing. Allele origin: germline.
Comment: the same text as in the submission from Illumina Laboratory Services, Illumina above.

Illumina Laboratory Services, Illumina
Classification: Benign for Actin accumulation myopathy. Last evaluated: 2018-01-12. Review status: criteria provided, single submitter. Criteria: ICSL Variant Classification Criteria 13 December 2019. Collection method: clinical testing. Allele origin: germline.
Comment: the same text as in the submission from Illumina Laboratory Services, Illumina above.

Mayo Clinic Laboratories, Mayo Clinic
Classification: Benign. Last evaluated: 2017-10-04. Review status: criteria provided, single submitter. Criteria: ACMG Guidelines, 2015. Collection method: clinical testing. Allele origin: germline. Observed: 261 variant alleles.

GeneDx
Classification: Benign. Last evaluated: 2015-03-03. Review status: criteria provided, single submitter. Criteria: GeneDx Variant Classification Process June 2021. Collection method: clinical testing. Allele origin: germline. Affected: yes.

Laboratory for Molecular Medicine, Mass General Brigham Personalized Medicine
Classification: Benign. Last evaluated: 2015-01-13. Review status: criteria provided, single submitter. Criteria: LMM Criteria. Collection method: clinical testing. Allele origin: germline. Observed: 5 variant alleles.
Comment: c.130-10G>C in intron 2 of ACTA1: This variant is not expected to have clinical significance because it has been identified in 26.2% (1154/4406) of African Amer ican chromosomes from a broad population by the NHLBI Exome Sequencing Project (dbSNP rs41271481).

Eurofins Ntd Llc (ga)
Classification: Benign. Last evaluated: 2013-08-22. Review status: criteria provided, single submitter. Criteria: EGL Classification Definitions 2015. Collection method: clinical testing. Allele origin: germline. Observed: 16 variant alleles, 13 heterozygotes, 3 homozygotes.

Breakthrough Genomics
Classification: Benign. Review status: criteria provided, single submitter. Criteria: ACMG Guidelines, 2015. Collection method: not provided. Allele origin: germline. Inheritance: Autosomal recessive inheritance. Affected: yes.

PreventionGenetics, part of Exact Sciences
Classification: Benign. Review status: criteria provided, single submitter. Criteria: ACMG Guidelines, 2015. Collection method: clinical testing. Allele origin: germline.

Genetic Services Laboratory, University of Chicago
Classification: Likely benign for AllHighlyPenetrant. Review status: no assertion criteria provided. Collection method: clinical testing. Allele origin: germline. Not counted in ClinVar's aggregate classification.
Comment: Likely benign based on allele frequency in 1000 Genomes Project or ESP global frequency and its presence in a patient with a rare or unrelated disease phenotype. NOT Sanger confirmed.

Genome Diagnostics Laboratory, University Medical Center Utrecht
Classification: Benign. Review status: no assertion criteria provided. Collection method: clinical testing. Allele origin: germline. Affected: yes. Study: VKGL Data-share Consensus. Not counted in ClinVar's aggregate classification.

Joint Genome Diagnostic Labs from Nijmegen and Maastricht, Radboudumc and MUMC+
Classification: Benign. Review status: no assertion criteria provided. Collection method: clinical testing. Allele origin: germline. Affected: yes. Study: VKGL Data-share Consensus. Not counted in ClinVar's aggregate classification.

NM_001100.4(ACTA1):c.130-10G>C

Gene: ACTA1 (actin alpha 1, skeletal muscle; minus strand). Cytogenetic location: 1q42.13.
Variant type: single nucleotide variant.
Coding change: c.130-10G>C on transcript NM_001100.4 (MANE Select); 10 bases into the intron before coding-DNA position 130, G replaced by C.
Molecular consequence: intron variant.
Genome position (GRCh38, 1-based): chr1:229,432,890, C>G on the plus strand (G>C on the coding strand, the complement: ACTA1 is on the minus strand). VCF-style: chr1-229432890-C-G. GRCh37 (hg19) VCF-style: chr1-229568637-C-G.
Other names: p.?.
Identifiers: ClinVar variation 93546 (VCV000093546.32), dbSNP rs41271481, ClinGen allele CA147045.